The following is an entry in ClinVar:

ClinVar aggregate classification (germline): Uncertain significance. Review status: criteria provided, multiple submitters, no conflicts (2 of 4 stars). 2 submissions from 2 submitters: Uncertain significance (2). Last evaluated 2024-01-16.

Conditions:
Inborn genetic diseases. Identifiers: MedGen C0950123, MeSH D030342.

Allele frequency attached by ClinVar (database versions not stated): gnomAD exomes below 0.00001; gnomAD 0.00002; TOPMed 0.00002.

Submissions (2):

Ambry Genetics
Classification: Uncertain significance for Inborn genetic diseases. Last evaluated: 2024-01-16. Review status: criteria provided, single submitter. Criteria: Ambry Variant Classification Scheme 2023. Collection method: clinical testing. Allele origin: germline.

Labcorp Genetics (formerly Invitae), Labcorp
Classification: Uncertain significance. Last evaluated: 2022-10-25. Review status: criteria provided, single submitter. Criteria: Invitae Variant Classification Sherloc (09022015). Collection method: clinical testing. Allele origin: germline.
Comment: This sequence change replaces leucine, which is neutral and non-polar, with glutamine, which is neutral and polar, at codon 1142 of the DOCK6 protein (p.Leu1142Gln). This variant is not present in population databases (gnomAD no frequency). This variant has not been reported in the literature in individuals affected with DOCK6-related conditions. ClinVar contains an entry for this variant (Variation ID: 1471410). Advanced modeling of protein sequence and biophysical properties (such as structural, functional, and spatial information, amino acid conservation, physicochemical variation, residue mobility, and thermodynamic stability) performed at Invitae indicates that this missense variant is expected to disrupt DOCK6 protein function. In summary, the available evidence is currently insufficient to determine the role of this variant in disease. Therefore, it has been classified as a Variant of Uncertain Significance.

NM_020812.4(DOCK6):c.3425T>A (p.Leu1142Gln)

Gene: DOCK6 (dedicator of cytokinesis 6; minus strand). Cytogenetic location: 19p13.2.
Variant type: single nucleotide variant.
Coding change: c.3425T>A on transcript NM_020812.4 (MANE Select); coding-DNA position 3425, T replaced by A.
Protein change: p.Leu1142Gln; replaces leucine 1142 with glutamine.
Molecular consequence: missense variant.
Genome position (GRCh38, 1-based): chr19:11,221,976, A>T on the plus strand (T>A on the coding strand, the complement: DOCK6 is on the minus strand). VCF-style: chr19-11221976-A-T. GRCh37 (hg19) VCF-style: chr19-11332652-A-T.
Other names: c.3530T>A, p.Leu1177Gln (NM_001367830.1); c.3425T>A (NM_020812.2); short protein forms L1142Q, L1177Q.
Identifiers: ClinVar variation 1471410 (VCV001471410.4), dbSNP rs986045541, ClinGen allele CA305317159.